The following is an entry in ClinVar:

NM_004408.4(DNM1):c.197G>C (p.Arg66Pro)

Genes: DNM1 (dynamin 1; plus strand), LOC113839516 (Sharpr-MPRA regulatory region 8497; plus strand). Cytogenetic location: 9q34.11.
Variant type: single nucleotide variant.
Coding change: c.197G>C on transcript NM_004408.4 (MANE Select); coding-DNA position 197, G replaced by C.
Protein change: p.Arg66Pro; replaces arginine 66 with proline.
Molecular consequence: missense variant.
Genome position (GRCh38, 1-based): chr9:128,218,266, G>C. VCF-style: chr9-128218266-G-C. GRCh37 (hg19) VCF-style: chr9-130980545-G-C.
Other names: c.197G>C, p.Arg66Pro (NM_001005336.3, NM_001288737.2, NM_001288738.2 and 2 more transcripts); short protein forms R66P.
Identifiers: ClinVar variation 2755885 (VCV002755885.3), dbSNP rs2538974505, ClinGen allele CA375010202.

ClinVar aggregate classification (germline): Pathogenic (1 of 4 stars; one submission).

Conditions:
Developmental and epileptic encephalopathy, 31A. Also called: Epileptic encephalopathy, early infantile, 31; Developmental and epileptic encephalopathy, 31. Identifiers: Orphanet 2382, MedGen C4225357, MONDO:0014598, OMIM 616346.

Submission:

Labcorp Genetics (formerly Invitae), Labcorp
Classification: Pathogenic for Developmental and epileptic encephalopathy, 31A. Last evaluated: 2025-01-23. Review status: criteria provided, single submitter. Criteria: Invitae Variant Classification Sherloc (09022015). Collection method: clinical testing. Allele origin: germline.
Comment: This sequence change replaces arginine, which is basic and polar, with proline, which is neutral and non-polar, at codon 66 of the DNM1 protein (p.Arg66Pro). This variant is not present in population databases (gnomAD no frequency). This missense change has been observed in individual(s) with DNM1-related conditions (internal data). In at least one individual the variant was observed to be de novo. ClinVar contains an entry for this variant (Variation ID: 2755885). Invitae Evidence Modeling of protein sequence and biophysical properties (such as structural, functional, and spatial information, amino acid conservation, physicochemical variation, residue mobility, and thermodynamic stability) indicates that this missense variant is expected to disrupt DNM1 protein function with a positive predictive value of 80%. For these reasons, this variant has been classified as Pathogenic.